The following is an entry in ClinVar:

NM_000092.5(COL4A4):c.4840C>A (p.Gln1614Lys)

Gene: COL4A4 (collagen type IV alpha 4 chain; minus strand). Cytogenetic location: 2q36.3.
Variant type: single nucleotide variant.
Coding change: c.4840C>A on transcript NM_000092.5 (MANE Select); coding-DNA position 4840, C replaced by A.
Protein change: p.Gln1614Lys; replaces glutamine 1614 with lysine.
Molecular consequence: missense variant.
Genome position (GRCh38, 1-based): chr2:227,007,558, G>T on the plus strand (C>A on the coding strand, the complement: COL4A4 is on the minus strand). VCF-style: chr2-227007558-G-T. GRCh37 (hg19) VCF-style: chr2-227872274-G-T.
Other names: short protein forms Q1614K.
Identifiers: ClinVar variation 1971571 (VCV001971571.5), dbSNP rs1553612039, ClinGen allele CA351140355.

ClinVar aggregate classification (germline): Uncertain significance (1 of 4 stars; one submission).

Submission:

Labcorp Genetics (formerly Invitae), Labcorp
Classification: Uncertain significance. Last evaluated: 2023-11-28. Review status: criteria provided, single submitter. Criteria: Invitae Variant Classification Sherloc (09022015). Collection method: clinical testing. Allele origin: germline.
Comment: This sequence change replaces glutamine, which is neutral and polar, with lysine, which is basic and polar, at codon 1614 of the COL4A4 protein (p.Gln1614Lys). This variant is not present in population databases (gnomAD no frequency). This variant has not been reported in the literature in individuals affected with COL4A4-related conditions. ClinVar contains an entry for this variant (Variation ID: 1971571). Advanced modeling of protein sequence and biophysical properties (such as structural, functional, and spatial information, amino acid conservation, physicochemical variation, residue mobility, and thermodynamic stability) has been performed at Invitae for this missense variant, however the output from this modeling did not meet the statistical confidence thresholds required to predict the impact of this variant on COL4A4 protein function. In summary, the available evidence is currently insufficient to determine the role of this variant in disease. Therefore, it has been classified as a Variant of Uncertain Significance.